The following is an entry in ClinVar:

ClinVar aggregate classification (germline): Conflicting classifications of pathogenicity. Review status: criteria provided, conflicting classifications (1 of 4 stars). 2 submissions from 2 submitters: Pathogenic (1); Uncertain significance (1). Last evaluated 2024-09-27.

Submissions (3):

GeneDx
Classification: Pathogenic. Last evaluated: 2024-09-27. Review status: criteria provided, single submitter. Criteria: GeneDx Variant Classification Process June 2021. Collection method: clinical testing. Allele origin: germline. Affected: yes.
Comment: Not observed at significant frequency in large population cohorts (gnomAD); In silico analysis supports that this missense variant has a deleterious effect on protein structure/function; This substitution is predicted to be in the cytoplasmic loop between the first and second homologous domains; This variant is associated with the following publications: (PMID: 37578743, O'Connor2023[Case report])

Genetic Services Laboratory, University of Chicago
Classification: Uncertain significance. Last evaluated: 2013-07-23. Review status: criteria provided, single submitter. Criteria: ACMG Guidelines, 2007. Collection method: clinical testing. Allele origin: germline. Inheritance: Autosomal dominant inheritance.

Channelopathy-Associated Epilepsy Research Center
No classification provided (evidence only). Condition: Complex neurodevelopmental disorder. Review status: no classification provided. Collection method: literature only. Allele origin: not applicable. Functional consequence: Normal peak current, Mild hyperpolarizing shift of voltage dependence of activation, Increase in slope of activation, Moderate hyperpolarizing shift of voltage dependence of fast inactivation, Normal slope of fast inactivation, Severe slowing of recovery from fast inactivation, Normal recovery from slow inactivation, Normal fast inactivation, Normal ramp current, Normal persistent current. Not counted in ClinVar's aggregate classification.
ClinVar note: "not provided" was previously submitted as the classification for the variant. However, the classification appeared to be based only on an observation of functional data so it was converted to no classification on 2025-07-30.

Literature cited by the submitters: PubMed 37578743 (cited by Channelopathy-Associated Epilepsy Research Center).

NM_001040142.2(SCN2A):c.1280C>A (p.Ala427Asp)

Gene: SCN2A (sodium voltage-gated channel alpha subunit 2; plus strand). Cytogenetic location: 2q24.3.
Variant type: single nucleotide variant.
Coding change: c.1280C>A on transcript NM_001040142.2 (MANE Select); coding-DNA position 1280, C replaced by A.
Protein change: p.Ala427Asp; replaces alanine 427 with aspartic acid.
Molecular consequence: missense variant.
Genome position (GRCh38, 1-based): chr2:165,314,005, C>A. VCF-style: chr2-165314005-C-A. GRCh37 (hg19) VCF-style: chr2-166170515-C-A.
Other names: c.1280C>A, p.Ala427Asp (NM_001040143.2, NM_001371246.1, NM_001371247.1 and 1 more transcripts); short protein forms A427D.
Identifiers: ClinVar variation 130212 (VCV000130212.9), dbSNP rs587780448, ClinGen allele CA231483.
Genomic context (GRCh38, chr2:165,314,005, plus strand): 5'-TGGTCATTTTCTTGGGCTCATTCTATCTAATAAATTTGATCTTGGCTGTGGTGGCCATGG[C>A]CTATGAGGAACAGAATCAGGCCACATTGGAAGAGGCTGAACAGAAGGAAGCTGAATTTCA-3'
Protein context (NP_001035232.1, residues 417-437): INLILAVVAM[Ala427Asp]YEEQNQATLE